The following is an entry in ClinVar:

NM_002541.4(OGDH):c.1206+19C>A

Gene: OGDH (oxoglutarate dehydrogenase; plus strand). Cytogenetic location: 7p13.
Variant type: single nucleotide variant.
Coding change: c.1206+19C>A on transcript NM_002541.4 (MANE Select); 19 bases into the intron after coding-DNA position 1206, C replaced by A.
Molecular consequence: intron variant. On other transcripts: missense variant (1).
Genome position (GRCh38, 1-based): chr7:44,676,168, C>A. VCF-style: chr7-44676168-C-A. GRCh37 (hg19) VCF-style: chr7-44715767-C-A.
Other names: c.1225C>A (NM_001003941.2); c.1225C>A, p.Arg409Ser (NM_001003941.3); c.1239+19C>A (NM_001363523.2); c.1194+19C>A (NM_001165036.2); short protein forms R409S.
Identifiers: ClinVar variation 1598081 (VCV001598081.27), dbSNP rs202133522, ClinGen allele CA4243758.

ClinVar aggregate classification (germline): Benign/Likely benign. Review status: criteria provided, multiple submitters, no conflicts (2 of 4 stars). 3 submissions from 3 submitters: Benign (1); Likely benign (1). 1 of the submissions does not count toward it. Last evaluated 2026-01-12.

Conditions:
OGDH-related disorder. Also called: OGDH-related condition.
Oxoglutaricaciduria. Identifiers: Orphanet 31, MedGen C2752074, MONDO:0008759, OMIM 203740.

Allele frequency attached by ClinVar (database versions not stated): 1000 Genomes Project 30x 0.00047; 1000 Genomes Project 0.00060; TOPMed 0.00131; gnomAD 0.00141; ESP Exome Variant Server 0.00146; gnomAD exomes 0.00179; ExAC 0.00183.
gnomAD v4.1: 3,214 of 1,614,148 alleles (0.2%); highest among the groups gnomAD compares: South Asian, 0.22%; 6 homozygotes.

Submissions (3):

Labcorp Genetics (formerly Invitae), Labcorp
Classification: Benign for Oxoglutaricaciduria. Last evaluated: 2026-01-12. Review status: criteria provided, single submitter. Criteria: Invitae Variant Classification Sherloc (09022015). Collection method: clinical testing. Allele origin: germline.

CeGaT Center for Human Genetics Tuebingen
Classification: Likely benign. Last evaluated: 2024-06-01. Review status: criteria provided, single submitter. Criteria: CeGaT Center For Human Genetics Tuebingen Variant Classification Criteria Version 2. Collection method: clinical testing. Allele origin: germline. Affected: yes. Observed: 1 variant allele.
Comment: OGDH: BP4

PreventionGenetics, part of Exact Sciences
Classification: Likely benign for OGDH-related condition. Last evaluated: 2023-02-15. Review status: no assertion criteria provided. Collection method: clinical testing. Allele origin: germline. Not counted in ClinVar's aggregate classification.
Comment: This variant is classified as likely benign based on ACMG/AMP sequence variant interpretation guidelines (Richards et al. 2015 PMID: 25741868, with internal and published modifications).